The following is an entry in ClinVar:

ClinVar aggregate classification (germline): Benign (1 of 4 stars; one submission).

Allele frequency attached by ClinVar (database versions not stated): gnomAD 0.42682 and 0.44126; TOPMed 0.45109; 1000 Genomes Project 30x 0.62274; 1000 Genomes Project 0.63279.

Submission:

GeneDx
Classification: Benign. Last evaluated: 2018-06-14. Review status: criteria provided, single submitter. Criteria: GeneDx Variant Classification (06012015). Collection method: clinical testing. Allele origin: germline. Affected: yes.
Comment: This variant is considered likely benign or benign based on one or more of the following criteria: it is a conservative change, it occurs at a poorly conserved position in the protein, it is predicted to be benign by multiple in silico algorithms, and/or has population frequency not consistent with disease.

NM_145691.4(ATPAF2):c.733-280C>T

Gene: ATPAF2 (ATP synthase mitochondrial F1 complex assembly factor 2; minus strand). Cytogenetic location: 17p11.2.
Variant type: single nucleotide variant.
Coding change: c.733-280C>T on transcript NM_145691.4 (MANE Select); 280 bases into the intron before coding-DNA position 733, C replaced by T.
Molecular consequence: intron variant.
Genome position (GRCh38, 1-based): chr17:18,018,966, G>A on the plus strand (C>T on the coding strand, the complement: ATPAF2 is on the minus strand). VCF-style: chr17-18018966-G-A. GRCh37 (hg19) VCF-style: chr17-17922280-G-A.
Identifiers: ClinVar variation 669691 (VCV000669691.1), dbSNP rs8069811, ClinGen allele CA14432228.